The following is an entry in ClinVar:

NM_001130987.2(DYSF):c.2476C>T (p.Arg826Trp)

Gene: DYSF (dysferlin; plus strand). Cytogenetic location: 2p13.2.
Variant type: single nucleotide variant.
Coding change: c.2476C>T on transcript NM_001130987.2 (MANE Select); coding-DNA position 2476, C replaced by T.
Protein change: p.Arg826Trp; replaces arginine 826 with tryptophan.
Molecular consequence: missense variant.
Genome position (GRCh38, 1-based): chr2:71,564,124, C>T. VCF-style: chr2-71564124-C-T. GRCh37 (hg19) VCF-style: chr2-71791254-C-T.
Other names: c.2425C>T, p.Arg809Trp (NM_001130455.2, NM_001130983.2); c.2380C>T, p.Arg794Trp (NM_001130976.2, NM_001130977.2); c.2422C>T, p.Arg808Trp (NM_001130978.2, NM_003494.4); c.2515C>T, p.Arg839Trp (NM_001130979.2); c.2473C>T, p.Arg825Trp (NM_001130980.2, NM_001130981.2); c.2518C>T, p.Arg840Trp (NM_001130982.2); c.2383C>T, p.Arg795Trp (NM_001130984.2, NM_001130986.2); c.2476C>T, p.Arg826Trp (NM_001130985.2); and 1 more; short protein forms R808W, R825W, R840W, R826W, R839W, R794W, R795W, R809W.
Identifiers: ClinVar variation 1376737 (VCV001376737.4), dbSNP rs1345130790, ClinGen allele CA347211358.
Genomic context (GRCh38, chr2:71,564,124, plus strand): 5'-AACAGCCTGCCGGACATCGTCATCTGGATGCTGCAGGGAGACAAGCGTGTGGCATACCAG[C>T]GGGTGCCCGCCCACCAAGTCCTCTTCTCCCGGCGGGGTGCCAACTACTGTGGCAAGAATT-3'
Protein context (NP_001124459.1, residues 816-836): LQGDKRVAYQ[Arg826Trp]VPAHQVLFSR

ClinVar aggregate classification (germline): Uncertain significance. Review status: criteria provided, multiple submitters, no conflicts (2 of 4 stars). 2 submissions from 2 submitters: Uncertain significance (2). Last evaluated 2023-01-25.

Conditions:
Inborn genetic diseases. Identifiers: MedGen C0950123, MeSH D030342.
Neuromuscular disease caused by qualitative or quantitative defects of dysferlin. Also called: Qualitative or quantitative defects of dysferlin; Dysferlinopathy. Identifiers: Orphanet 207073, MedGen C2931687, MONDO:0016145.

Allele frequency attached by ClinVar (database versions not stated): gnomAD exomes below 0.00001 and 0.00001; TOPMed 0.00003.
gnomAD v4.1: 11 of 1,614,266 alleles (0.00068%); highest among the groups gnomAD compares: Admixed American, 0.0017%; no homozygotes.

Submissions (2):

Ambry Genetics
Classification: Uncertain significance for Inborn genetic diseases. Last evaluated: 2023-01-25. Review status: criteria provided, single submitter. Criteria: Ambry Variant Classification Scheme 2023. Collection method: clinical testing. Allele origin: germline.

Labcorp Genetics (formerly Invitae), Labcorp
Classification: Uncertain significance for Neuromuscular disease caused by qualitative or quantitative defects of dysferlin. Last evaluated: 2021-11-10. Review status: criteria provided, single submitter. Criteria: Invitae Variant Classification Sherloc (09022015). Collection method: clinical testing. Allele origin: germline.
Comment: This sequence change replaces arginine, which is basic and polar, with tryptophan, which is neutral and slightly polar, at codon 808 of the DYSF protein (p.Arg808Trp). This variant is present in population databases (no rsID available, gnomAD 0.003%). This variant has not been reported in the literature in individuals affected with DYSF-related conditions. Advanced modeling of protein sequence and biophysical properties (such as structural, functional, and spatial information, amino acid conservation, physicochemical variation, residue mobility, and thermodynamic stability) performed at Invitae indicates that this missense variant is expected to disrupt DYSF protein function. Algorithms developed to predict the effect of sequence changes on RNA splicing suggest that this variant may create or strengthen a splice site. In summary, the available evidence is currently insufficient to determine the role of this variant in disease. Therefore, it has been classified as a Variant of Uncertain Significance.